The following is an entry in ClinVar:

NM_018238.4(AGK):c.20C>T (p.Thr7Met)

Gene: AGK (acylglycerol kinase; plus strand). Cytogenetic location: 7q34.
Variant type: single nucleotide variant.
Coding change: c.20C>T on transcript NM_018238.4 (MANE Select); coding-DNA position 20, C replaced by T.
Protein change: p.Thr7Met; replaces threonine 7 with methionine.
Molecular consequence: missense variant.
Genome position (GRCh38, 1-based): chr7:141,555,486, C>T. VCF-style: chr7-141555486-C-T. GRCh37 (hg19) VCF-style: chr7-141255286-C-T.
Other names: c.20C>T, p.Thr7Met (NM_001364948.3); short protein forms T7M.
Identifiers: ClinVar variation 1300582 (VCV001300582.4), dbSNP rs772374736, ClinGen allele CA4517266.

ClinVar aggregate classification (germline): Uncertain significance. Review status: criteria provided, multiple submitters, no conflicts (2 of 4 stars). 2 submissions from 2 submitters: Uncertain significance (2). Last evaluated 2023-06-16.

Conditions:
Inborn genetic diseases. Identifiers: MedGen C0950123, MeSH D030342.

Allele frequency attached by ClinVar (database versions not stated): gnomAD 0.00001 and 0.00002; TOPMed 0.00002; gnomAD exomes 0.00005 and 0.00007; ExAC 0.00010.
gnomAD v4.1: 78 of 1,613,794 alleles (0.0048%); highest among the groups gnomAD compares: Middle Eastern, 0.049%; no homozygotes.

Submissions (2):

Ambry Genetics
Classification: Uncertain significance for Inborn genetic diseases. Last evaluated: 2023-06-16. Review status: criteria provided, single submitter. Criteria: Ambry Variant Classification Scheme 2023. Collection method: clinical testing. Allele origin: germline.

GeneDx
Classification: Uncertain significance. Last evaluated: 2021-10-14. Review status: criteria provided, single submitter. Criteria: GeneDx Variant Classification Process June 2021. Collection method: clinical testing. Allele origin: germline. Affected: yes.
Comment: In silico analysis supports that this missense variant has a deleterious effect on protein structure/function; Has not been previously published as pathogenic or benign to our knowledge